The following is an entry in ClinVar:

NM_024675.4(PALB2):c.2383C>A (p.Gln795Lys)

Gene: PALB2 (partner and localizer of BRCA2; minus strand). Cytogenetic location: 16p12.2.
Variant type: single nucleotide variant.
Coding change: c.2383C>A on transcript NM_024675.4 (MANE Select); coding-DNA position 2383, C replaced by A.
Protein change: p.Gln795Lys; replaces glutamine 795 with lysine.
Molecular consequence: missense variant.
Genome position (GRCh38, 1-based): chr16:23,629,771, G>T on the plus strand (C>A on the coding strand, the complement: PALB2 is on the minus strand). VCF-style: chr16-23629771-G-T. GRCh37 (hg19) VCF-style: chr16-23641092-G-T.
Other names: short protein forms Q795K.
Identifiers: ClinVar variation 830166 (VCV000830166.1), dbSNP rs1966856854, ClinGen allele CA395124610.

ClinVar aggregate classification (germline): Uncertain significance (0 of 4 stars; one submission).

Allele frequency attached by ClinVar (database versions not stated): gnomAD exomes below 0.00001.
gnomAD v4.1: 1 of 1,614,186 alleles (0.000062%); highest among the groups gnomAD compares: East Asian, 0.0022%; no homozygotes.

Submission:

Leiden Open Variation Database
Classification: Uncertain significance. Last evaluated: 2018-08-25. Review status: no assertion criteria provided. Collection method: curation. Allele origin: germline. Affected: yes.
Comment: Curators: Marc Tischkowitz, Arleen D. Auerbach. Submitter to LOVD: Yukihide Momozawa.

Literature cited by the submitters: PubMed 30287823.